The following is an entry in ClinVar:

NM_001378457.1(DMXL2):c.6965-7C>T

Gene: DMXL2 (Dmx like 2; minus strand). Cytogenetic location: 15q21.2.
Variant type: single nucleotide variant.
Coding change: c.6965-7C>T on transcript NM_001378457.1 (MANE Select); 7 bases into the intron before coding-DNA position 6965, C replaced by T.
Molecular consequence: intron variant.
Genome position (GRCh38, 1-based): chr15:51,474,599, G>A on the plus strand (C>T on the coding strand, the complement: DMXL2 is on the minus strand). VCF-style: chr15-51474599-G-A. GRCh37 (hg19) VCF-style: chr15-51766796-G-A.
Other names: c.4943-7C>T (NM_001378460.1); c.5054-7C>T (NM_001174117.3); c.6962-7C>T (NM_015263.5, NM_001378458.1, NM_001378462.1); c.6965-7C>T (NM_001378459.1, NM_001174116.3, NM_001378463.1 and 1 more transcripts); c.6722-7C>T (NM_001378464.1).
Identifiers: ClinVar variation 713183 (VCV000713183.35), dbSNP rs73399542, ClinGen allele CA7561482.

ClinVar aggregate classification (germline): Benign/Likely benign. Review status: criteria provided, multiple submitters, no conflicts (2 of 4 stars). 4 submissions from 4 submitters: Benign (1); Likely benign (3). Last evaluated 2025-11-24.

Allele frequency attached by ClinVar (database versions not stated): gnomAD exomes 0.00017; ExAC 0.00022; ESP Exome Variant Server 0.00039; gnomAD 0.00056 and 0.00063; TOPMed 0.00063; 1000 Genomes Project 30x 0.00078; 1000 Genomes Project 0.00080.
gnomAD v4.1: 201 of 1,588,564 alleles (0.013%); highest among the groups gnomAD compares: African/African-American, 0.22%; no homozygotes.

Submissions (4):

Labcorp Genetics (formerly Invitae), Labcorp
Classification: Benign. Last evaluated: 2025-11-24. Review status: criteria provided, single submitter. Criteria: Invitae Variant Classification Sherloc (09022015). Collection method: clinical testing. Allele origin: germline.

Women's Health and Genetics/Laboratory Corporation of America, LabCorp
Classification: Likely benign. Last evaluated: 2025-06-10. Review status: criteria provided, single submitter. Criteria: LabCorp Variant Classification Summary - May 2015. Collection method: clinical testing. Allele origin: germline.
Comment: Variant summary: DMXL2 c.6962-7C>T alters a non-conserved nucleotide located at a position not widely known to affect splicing. Consensus agreement among computation tools predict no significant impact on normal splicing. However, these predictions have yet to be confirmed by functional studies. The variant allele was found at a frequency of 0.00017 in 237434 control chromosomes. This frequency is not significantly higher than estimated for a pathogenic variant in DMXL2 causing DMXL2-Related Disorders, allowing no conclusion about variant significance. To our knowledge, no occurrence of c.6962-7C>T in individuals affected with DMXL2-Related Disorders and no experimental evidence demonstrating its impact on protein function have been reported. ClinVar contains an entry for this variant (Variation ID: 713183). Based on the evidence outlined above, the variant was classified as likely benign.

Blueprint Genetics
Classification: Likely benign. Last evaluated: 2024-07-19. Review status: criteria provided, single submitter. Criteria: ACMG Guidelines, 2015. Collection method: clinical testing. Allele origin: germline.

CeGaT Center for Human Genetics Tuebingen
Classification: Likely benign. Last evaluated: 2023-07-01. Review status: criteria provided, single submitter. Criteria: CeGaT Center For Human Genetics Tuebingen Variant Classification Criteria Version 2. Collection method: clinical testing. Allele origin: germline. Affected: yes. Observed: 1 variant allele.
Comment: DMXL2: BP4